The following is an entry in ClinVar:

NM_001069.3(TUBB2A):c.533C>T (p.Thr178Met)

Genes: BPHL (biphenyl hydrolase like; plus strand), TUBB2A (tubulin beta 2A class IIa; minus strand). Cytogenetic location: 6p25.2.
Variant type: single nucleotide variant.
Coding change: c.533C>T on transcript NM_001069.3 (MANE Select); coding-DNA position 533, C replaced by T.
Protein change: p.Thr178Met; replaces threonine 178 with methionine.
Molecular consequence: missense variant.
Genome position (GRCh38, 1-based): chr6:3,154,668, G>A on the plus strand (C>T on the coding strand, the complement: TUBB2A is on the minus strand). VCF-style: chr6-3154668-G-A. GRCh37 (hg19) VCF-style: chr6-3154902-G-A.
Other names: c.278C>T, p.Thr93Met (NM_001310315.2); short protein forms T178M, T93M.
Identifiers: ClinVar variation 265284 (VCV000265284.9), dbSNP rs886039447, ClinGen allele CA10588417.
Genomic context (GRCh38, chr6:3,154,668, plus strand): 5'-TCATCTGTGTTTTCCACCAGCTGGTGGACAGAGAGGGTGGCGTTGTAGGGCTCCACCACC[G>A]TGTCTGACACCTTGGGTGAGGGCATGACGCTGAAGGTGTTCATGATGCGGTCTGGGTACT-3'
Protein context (NP_001060.1, residues 168-188): SVMPSPKVSD[Thr178Met]VVEPYNATLS

ClinVar aggregate classification (germline): Pathogenic/Likely pathogenic. Review status: criteria provided, multiple submitters, no conflicts (2 of 4 stars). 4 submissions from 4 submitters: Pathogenic (2); Likely pathogenic (2). Last evaluated 2025-12-18.

Conditions:
Complex cortical dysplasia with other brain malformations 5. Identifiers: MedGen C3810407, MONDO:0014337, OMIM 615763.

Submissions (4):

Victorian Clinical Genetics Services, Murdoch Childrens Research Institute
Classification: Pathogenic for Complex cortical dysplasia with other brain malformations 5. Last evaluated: 2025-12-18. Review status: criteria provided, single submitter. Criteria: ACMG Guidelines, 2015. Collection method: clinical testing. Allele origin: germline. Affected: yes.
Comment: This variant is classified as Pathogenic. Evidence in support of pathogenic classification: Variant is absent from gnomAD (v2, v3 and v4); This variant has moderate previous evidence of pathogenicity in unrelated individuals. This variant has been classified as likely pathogenic/pathogenic by clinical laboratories in ClinVar. It has also been reported as de novo in the literature in a child with developmental delay, ventriculomegaly, cortical visual impairment, myocloniz seizures and dysmorphic features (PMID: 34869359). - Missense variant in a region that is highly intolerant to missense variation (high constraint region in DECIPHER); Missense variant predicted to be damaging by in silico tool(s) or highly conserved with a major amino acid change; Additional information: Variant is predicted to result in a missense amino acid change from Thr to Met; This variant is heterozygous; This gene is associated with autosomal dominant disease; Dominant negative is a likely mechanism of disease in this gene and is associated with cortical dysplasia, complex, with other brain malformations 5, (MIM#615763). Functional studies have shown missense variants to cause weakened incorporation into cytoskeleton, and potentially impaired heterodimer formation indicating loss of function. However, the mutational spectrum is more suggestive of a dominant negative mechanism (PMID: 24702957).

Labcorp Genetics (formerly Invitae), Labcorp
Classification: Likely pathogenic. Last evaluated: 2025-02-24. Review status: criteria provided, single submitter. Criteria: Invitae Variant Classification Sherloc (09022015). Collection method: clinical testing. Allele origin: germline.
Comment: This sequence change replaces threonine, which is neutral and polar, with methionine, which is neutral and non-polar, at codon 178 of the TUBB2A protein (p.Thr178Met). This variant is not present in population databases (gnomAD no frequency). This missense change has been observed in individual(s) with clinical features of TUBB2A-related conditions (PMID: 26633542, 34869359). In at least one individual the variant was observed to be de novo. ClinVar contains an entry for this variant (Variation ID: 265284). Invitae Evidence Modeling of protein sequence and biophysical properties (such as structural, functional, and spatial information, amino acid conservation, physicochemical variation, residue mobility, and thermodynamic stability) indicates that this missense variant is expected to disrupt TUBB2A protein function with a positive predictive value of 80%. Experimental studies have shown that this missense change affects TUBB2A function (PMID: 34869359). In summary, the currently available evidence indicates that the variant is pathogenic, but additional data are needed to prove that conclusively. Therefore, this variant has been classified as Likely Pathogenic.

Institute of Medical Genetics and Applied Genomics, University Hospital Tübingen
Classification: Likely pathogenic for Complex cortical dysplasia with other brain malformations 5. Last evaluated: 2024-07-04. Review status: criteria provided, single submitter. Criteria: ACMG Guidelines, 2015. Collection method: clinical testing. Allele origin: germline. Inheritance: Autosomal dominant inheritance. Affected: yes.

GeneDx
Classification: Pathogenic. Last evaluated: 2023-02-17. Review status: criteria provided, single submitter. Criteria: GeneDx Variant Classification Process June 2021. Collection method: clinical testing. Allele origin: germline. Affected: yes.
Comment: In silico analysis, which includes protein predictors and evolutionary conservation, supports a deleterious effect; Not observed at significant frequency in large population cohorts (gnomAD); This variant is associated with the following publications: (PMID: 26633542, 27535533, 34869359)

Literature cited by the submitters: PubMed 34869359 (cited by Victorian Clinical Genetics Services, Murdoch Childrens Research Institute and Labcorp Genetics (formerly Invitae), Labcorp); PubMed 24702957 (cited by Victorian Clinical Genetics Services, Murdoch Childrens Research Institute); PubMed 26633542 (cited by Labcorp Genetics (formerly Invitae), Labcorp).